The following is an entry in ClinVar:

ClinVar aggregate classification (germline): Uncertain significance. Review status: criteria provided, multiple submitters, no conflicts (2 of 4 stars). 2 submissions from 2 submitters: Uncertain significance (2). Last evaluated 2024-03-28.

Conditions:
Schimke immuno-osseous dysplasia (SIOD). Also called: Schimke Immunoosseous Dysplasia. Identifiers: Orphanet 1830, MedGen C0877024, MONDO:0009458, OMIM 242900.

Allele frequency attached by ClinVar (database versions not stated): TOPMed below 0.00001.

Submissions (2):

Fulgent Genetics
Classification: Uncertain significance for Schimke immuno-osseous dysplasia. Last evaluated: 2024-03-28. Review status: criteria provided, single submitter. Criteria: ACMG Guidelines, 2015. Collection method: clinical testing. Allele origin: germline.

Labcorp Genetics (formerly Invitae), Labcorp
Classification: Uncertain significance for Schimke immuno-osseous dysplasia. Last evaluated: 2022-05-06. Review status: criteria provided, single submitter. Criteria: Invitae Variant Classification Sherloc (09022015). Collection method: clinical testing. Allele origin: germline.
Comment: In summary, the available evidence is currently insufficient to determine the role of this variant in disease. Therefore, it has been classified as a Variant of Uncertain Significance. Algorithms developed to predict the effect of missense changes on protein structure and function are either unavailable or do not agree on the potential impact of this missense change (SIFT: "Tolerated"; PolyPhen-2: "Possibly Damaging"; Align-GVGD: "Class C0"). This variant has not been reported in the literature in individuals affected with SMARCAL1-related conditions. This variant is not present in population databases (gnomAD no frequency). This sequence change replaces aspartic acid, which is acidic and polar, with alanine, which is neutral and non-polar, at codon 896 of the SMARCAL1 protein (p.Asp896Ala).

NM_014140.4(SMARCAL1):c.2687A>C (p.Asp896Ala)

Gene: SMARCAL1 (SNF2 related chromatin remodeling annealing helicase 1; plus strand). Cytogenetic location: 2q35.
Variant type: single nucleotide variant.
Coding change: c.2687A>C on transcript NM_014140.4 (MANE Select); coding-DNA position 2687, A replaced by C.
Protein change: p.Asp896Ala; replaces aspartic acid 896 with alanine.
Molecular consequence: missense variant.
Genome position (GRCh38, 1-based): chr2:216,482,799, A>C. VCF-style: chr2-216482799-A-C. GRCh37 (hg19) VCF-style: chr2-217347522-A-C.
Other names: c.2687A>C, p.Asp896Ala (NM_001127207.2); short protein forms D896A.
Identifiers: ClinVar variation 1897406 (VCV001897406.6), dbSNP rs1695229421, ClinGen allele CA350505260.